The following is an entry in ClinVar:

ClinVar aggregate classification (germline): Uncertain significance (1 of 4 stars; one submission).

Submission:

GeneDx
Classification: Uncertain significance. Last evaluated: 2026-03-10. Review status: criteria provided, single submitter. Criteria: GeneDx Variant Classification Process June 2021. Collection method: clinical testing. Allele origin: germline.
Comment: Not observed at significant frequency in large population cohorts (gnomAD); Initiation codon variant predicted to alter the protein; however, a downstream in-frame Methionine residue could serve as an alternate initiator codon; Has not been previously published as pathogenic or benign to our knowledge

NM_001101.5(ACTB):c.1A>G (p.Met1Val)

Gene: ACTB (actin beta; minus strand). Cytogenetic location: 7p22.1.
Variant type: single nucleotide variant.
Coding change: c.1A>G on transcript NM_001101.5 (MANE Select); coding-DNA position 1, A replaced by G.
Protein change: p.Met1Val; changes the start codon (methionine 1).
Molecular consequence: missense variant, initiator codon variant.
Genome position (GRCh38, 1-based): chr7:5,529,657, T>C on the plus strand (A>G on the coding strand, the complement: ACTB is on the minus strand). VCF-style: chr7-5529657-T-C. GRCh37 (hg19) VCF-style: chr7-5569288-T-C.
Other names: short protein forms M1V.
Identifiers: ClinVar variation 5008258 (VCV005008258.1).
Genomic context (GRCh38, chr7:5,529,657, plus strand): 5'-AGCCGGCCTTGCACATGCCGGAGCCGTTGTCGACGACGAGCGCGGCGATATCATCATCCA[T>C]GGTGAGCTGCGAGAATAGCCGGGCGCGCTGTGAGCCGAGGTCGCCCCCGCCCTGGCCACT-3'
Protein context (NP_001092.1, residues 1-11): [Met1Val]DDDIAALVVD